The following is an entry in ClinVar:

ClinVar aggregate classification (germline): Uncertain significance (1 of 4 stars; one submission).

Conditions:
Malignant hyperthermia, susceptibility to, 5 (MHS5). Also called: CACNA1S-Related Malignant Hyperthermia Susceptibility. Identifiers: Orphanet 423, MedGen C1866077, MONDO:0011163, OMIM 601887.

gnomAD v4.1: 1 of 1,614,170 alleles (0.000062%); highest among the groups gnomAD compares: Non-Finnish European, 0.000085%; no homozygotes.

Submission:

Color Diagnostics, LLC DBA Color Health
Classification: Uncertain significance for Malignant hyperthermia, susceptibility to, 5. Last evaluated: 2025-06-17. Review status: criteria provided, single submitter. Criteria: ACMG Guidelines, 2015. Collection method: clinical testing. Allele origin: germline.
Comment: This missense variant replaces histidine with glutamine at codon 834 of the CACNA1S protein. Computational prediction suggests that this variant may not impact protein structure and function. To our knowledge, functional studies have not been reported for this variant. This variant has not been reported in individuals affected with CACNA1S-related disorders in the literature. This variant has not been identified in the general population by the Genome Aggregation Database (gnomAD). The available evidence is insufficient to determine the role of this variant in disease conclusively. Therefore, this variant is classified as a Variant of Uncertain Significance.

NM_000069.3(CACNA1S):c.2502C>A (p.His834Gln)

Gene: CACNA1S (calcium voltage-gated channel subunit alpha1 S; minus strand). Cytogenetic location: 1q32.1.
Variant type: single nucleotide variant.
Coding change: c.2502C>A on transcript NM_000069.3 (MANE Select); coding-DNA position 2502, C replaced by A.
Protein change: p.His834Gln; replaces histidine 834 with glutamine.
Molecular consequence: missense variant.
Genome position (GRCh38, 1-based): chr1:201,069,185, G>T on the plus strand (C>A on the coding strand, the complement: CACNA1S is on the minus strand). VCF-style: chr1-201069185-G-T. GRCh37 (hg19) VCF-style: chr1-201038313-G-T.
Other names: short protein forms H834Q.
Identifiers: ClinVar variation 4757156 (VCV004757156.1).